The following is an entry in ClinVar:

NM_015168.2(ZC3H4):c.1887T>C (p.His629=)

Gene: ZC3H4 (zinc finger CCCH-type containing 4; minus strand). Cytogenetic location: 19q13.32.
Variant type: single nucleotide variant.
Coding change: c.1887T>C on transcript NM_015168.2 (MANE Select); coding-DNA position 1887, T replaced by C.
Protein change: p.His629=; no amino-acid change (histidine 629 retained).
Molecular consequence: synonymous variant.
Genome position (GRCh38, 1-based): chr19:47,072,037, A>G on the plus strand (T>C on the coding strand, the complement: ZC3H4 is on the minus strand). VCF-style: chr19-47072037-A-G. GRCh37 (hg19) VCF-style: chr19-47575294-A-G.
Identifiers: ClinVar variation 770289 (VCV000770289.7), dbSNP rs78020601, ClinGen allele CA9535076.
Genomic context (GRCh38, chr19:47,072,037, plus strand): 5'-GTGCATGTCTGCGTGCATGTCAGGGTGCATGTCCGGGTGCATGTCGGGGTGCATGTCAGG[A>G]TGCATTGGACCGCCCATTGGCCCTGGGGGTCCCATGTTGGGCCCAGGGCCCATTGGCCCT-3'
Protein context (NP_055983.1, residues 619-639): GPPGPMGGPM[His629=]PDMHPDMHPD

ClinVar aggregate classification (germline): Benign. Review status: criteria provided, multiple submitters, no conflicts (2 of 4 stars). 3 submissions from 3 submitters: Benign (2). 1 of the submissions does not count toward it. Last evaluated 2019-12-31.

Conditions:
ZC3H4-related disorder. Also called: ZC3H4-related condition.

Allele frequency attached by ClinVar (database versions not stated): gnomAD exomes 0.00455 and 0.00738; ExAC 0.00873; ESP Exome Variant Server 0.01812; gnomAD 0.02654 and 0.02835; 1000 Genomes Project 0.02656; 1000 Genomes Project 30x 0.02889; TOPMed 0.03045.
gnomAD v4.1: 10,935 of 1,586,664 alleles (0.69%); highest among the groups gnomAD compares: African/African-American, 8.2%; 295 homozygotes.

Submissions (3):

Labcorp Genetics (formerly Invitae), Labcorp
Classification: Benign. Last evaluated: 2019-12-31. Review status: criteria provided, single submitter. Criteria: Invitae Variant Classification Sherloc (09022015). Collection method: clinical testing. Allele origin: germline.

Breakthrough Genomics
Classification: Benign. Review status: criteria provided, single submitter. Criteria: ACMG Guidelines, 2015. Collection method: not provided. Allele origin: germline. Inheritance: Unknown mechanism. Affected: yes.

PreventionGenetics, part of Exact Sciences
Classification: Benign for ZC3H4-related condition. Last evaluated: 2019-11-06. Review status: no assertion criteria provided. Collection method: clinical testing. Allele origin: germline. Not counted in ClinVar's aggregate classification.
Comment: This variant is classified as benign based on ACMG/AMP sequence variant interpretation guidelines (Richards et al. 2015 PMID: 25741868, with internal and published modifications).